The following is an entry in ClinVar:

NM_002180.3(IGHMBP2):c.103A>G (p.Ile35Val)

Gene: IGHMBP2 (immunoglobulin mu DNA binding protein 2; plus strand). Cytogenetic location: 11q13.3.
Variant type: single nucleotide variant.
Coding change: c.103A>G on transcript NM_002180.3 (MANE Select); coding-DNA position 103, A replaced by G.
Protein change: p.Ile35Val; replaces isoleucine 35 with valine.
Molecular consequence: missense variant.
Genome position (GRCh38, 1-based): chr11:68,906,085, A>G. VCF-style: chr11-68906085-A-G. GRCh37 (hg19) VCF-style: chr11-68673553-A-G.
Other names: short protein forms I35V.
Identifiers: ClinVar variation 305830 (VCV000305830.28), dbSNP rs199586231, ClinGen allele CA6153191.

ClinVar aggregate classification (germline): Conflicting classifications of pathogenicity. Review status: criteria provided, conflicting classifications (1 of 4 stars). 6 submissions from 6 submitters: Uncertain significance (2); Likely benign (4). Last evaluated 2026-01-13.

Conditions:
Charcot-Marie-Tooth disease axonal type 2S. Also called: CHARCOT-MARIE-TOOTH NEUROPATHY, TYPE 2S; CHARCOT-MARIE-TOOTH DISEASE, AXONAL, AUTOSOMAL RECESSIVE, TYPE 2S. Identifiers: Orphanet 443073, MedGen C4015349, MONDO:0014511, OMIM 616155.
Autosomal recessive distal spinal muscular atrophy 1. Also called: HMN VI; NEURONOPATHY, SEVERE INFANTILE AXONAL, WITH RESPIRATORY FAILURE; SEVERE INFANTILE AXONAL NEUROPATHY WITH RESPIRATORY FAILURE; SPINAL MUSCULAR ATROPHY, DIAPHRAGMATIC; Spinal muscular atrophy with respiratory distress 1; NEURONOPATHY, DISTAL HEREDITARY MOTOR, HARDING TYPE VI. Identifiers: Orphanet 98920, MedGen C1858517, MONDO:0011436, OMIM 604320.
Inborn genetic diseases. Identifiers: MedGen C0950123, MeSH D030342.
Charcot-Marie-Tooth disease. Also called: Charcot-Marie-Tooth Neuropathy; Charcot-Marie-Tooth Hereditary Neuropathy. Identifiers: Orphanet 166, MedGen C0007959, MONDO:0015626.

Allele frequency attached by ClinVar (database versions not stated): gnomAD 0.00011; TOPMed 0.00011; gnomAD exomes 0.00017; ExAC 0.00018.
gnomAD v4.1: 156 of 1,614,150 alleles (0.0097%); highest among the groups gnomAD compares: Middle Eastern, 0.18%; no homozygotes.

Submissions (6):

Labcorp Genetics (formerly Invitae), Labcorp
Classification: Likely benign for Autosomal recessive distal spinal muscular atrophy 1; Charcot-Marie-Tooth disease axonal type 2S. Last evaluated: 2026-01-13. Review status: criteria provided, single submitter. Criteria: Invitae Variant Classification Sherloc (09022015). Collection method: clinical testing. Allele origin: germline.

Mayo Clinic Laboratories, Mayo Clinic
Classification: Likely benign. Last evaluated: 2025-06-24. Review status: criteria provided, single submitter. Criteria: ACMG Guidelines, 2015. Collection method: clinical testing. Allele origin: germline. Observed: 4 variant alleles.
Comment: BS1, BP4_moderate

Ambry Genetics
Classification: Likely benign for Inborn genetic diseases. Last evaluated: 2023-09-14. Review status: criteria provided, single submitter. Criteria: Ambry Variant Classification Scheme 2023. Collection method: clinical testing. Allele origin: germline.

GeneDx
Classification: Likely benign. Last evaluated: 2019-09-15. Review status: criteria provided, single submitter. Criteria: GeneDx Variant Classification Process June 2021. Collection method: clinical testing. Allele origin: germline. Affected: yes.
Comment: This variant is associated with the following publications: (PMID: 32376792)

Illumina Laboratory Services, Illumina
Classification: Uncertain significance for Autosomal recessive distal spinal muscular atrophy 1. Last evaluated: 2018-01-12. Review status: criteria provided, single submitter. Criteria: ICSL Variant Classification Criteria 13 December 2019. Collection method: clinical testing. Allele origin: germline.

Molecular Genetics Laboratory, London Health Sciences Centre
Classification: Uncertain significance for Charcot-Marie-Tooth disease. Review status: criteria provided, single submitter. Criteria: ACMG Guidelines, 2015. Collection method: clinical testing. Allele origin: germline. Affected: yes.

Literature cited by the submitters: PubMed 32376792 (cited by Mayo Clinic Laboratories, Mayo Clinic).